The following is an entry in ClinVar:

ClinVar aggregate classification (germline): Likely benign. Review status: criteria provided, multiple submitters, no conflicts (2 of 4 stars). 5 submissions from 5 submitters: Likely benign (4). 1 of the submissions does not count toward it. Last evaluated 2026-01-25.

Conditions:
CLCN1-related disorder. Also called: CLCN1-related condition.
Congenital myotonia, autosomal recessive form. Also called: BECKER DISEASE; myotonia congenita, autosomal recessive; Becker Generalized Myotonia. Identifiers: Orphanet 614, MedGen C0751360, MONDO:0009715, OMIM 255700.
Congenital myotonia, autosomal dominant form (THD). Also called: THOMSEN DISEASE; Myotonia congenita autosomal dominant. Identifiers: Orphanet 614, MedGen C2936781, MONDO:0008055, OMIM 160800.

Allele frequency attached by ClinVar (database versions not stated): gnomAD exomes 0.00020 and 0.00047; ExAC 0.00064; 1000 Genomes Project 30x 0.00125; 1000 Genomes Project 0.00160; gnomAD 0.00192 and 0.00208; ESP Exome Variant Server 0.00223; TOPMed 0.00230.
gnomAD v4.1: 594 of 1,613,964 alleles (0.037%); highest among the groups gnomAD compares: African/African-American, 0.73%; no homozygotes.

Submissions (6):

Labcorp Genetics (formerly Invitae), Labcorp
Classification: Likely benign for Congenital myotonia, autosomal recessive form; Congenital myotonia, autosomal dominant form. Last evaluated: 2026-01-25. Review status: criteria provided, single submitter. Criteria: Invitae Variant Classification Sherloc (09022015). Collection method: clinical testing. Allele origin: germline.

Blueprint Genetics
Classification: Likely benign. Last evaluated: 2024-10-09. Review status: criteria provided, single submitter. Criteria: ACMG Guidelines, 2015. Collection method: clinical testing. Allele origin: germline.

Athena Diagnostics
Classification: Likely benign. Last evaluated: 2020-06-03. Review status: criteria provided, single submitter. Criteria: Athena Diagnostics Criteria. Collection method: clinical testing. Allele origin: unknown.

GeneDx
Classification: Likely benign. Last evaluated: 2019-07-08. Review status: criteria provided, single submitter. Criteria: GeneDx Variant Classification Process June 2021. Collection method: clinical testing. Allele origin: germline. Affected: yes.
Comment: This variant is associated with the following publications: (PMID: 26471370)

PreventionGenetics, part of Exact Sciences
Classification: Benign for CLCN1-related condition. Last evaluated: 2020-02-25. Review status: no assertion criteria provided. Collection method: clinical testing. Allele origin: germline. Not counted in ClinVar's aggregate classification.
Comment: This variant is classified as benign based on ACMG/AMP sequence variant interpretation guidelines (Richards et al. 2015 PMID: 25741868, with internal and published modifications).

Dr. Peter K. Rogan Lab, Western University
No classification provided (evidence only). Condition: Uterine carcinosarcoma. Review status: no classification provided. Collection method: in vitro. Allele origin: not applicable. Functional consequence: retained intron. Not counted in ClinVar's aggregate classification.

Literature cited by the submitters: PubMed 26471370 (cited by Athena Diagnostics).

NM_000083.3(CLCN1):c.2509-3C>T

Gene: CLCN1 (chloride voltage-gated channel 1; plus strand). Cytogenetic location: 7q34.
Variant type: single nucleotide variant.
Coding change: c.2509-3C>T on transcript NM_000083.3 (MANE Select); 3 bases into the intron before coding-DNA position 2509, C replaced by T.
Molecular consequence: intron variant.
Genome position (GRCh38, 1-based): chr7:143,350,565, C>T. VCF-style: chr7-143350565-C-T. GRCh37 (hg19) VCF-style: chr7-143047658-C-T.
Identifiers: ClinVar variation 511052 (VCV000511052.57), dbSNP rs375341574, ClinGen allele CA4537716.
Genomic context (GRCh38, chr7:143,350,565, plus strand): 5'-GTGGGGAAGGCAGGAGAGCTGTGGGGCAAGGAACATGCACTGACCTGTGCTCTTCATCCT[C>T]AGACTCATACCCTGTTTTCACTCCTTGGCCTCCACCTCGCTTACGTGACCAGCATGGGGA-3'